The following is an entry in ClinVar:

NM_000051.4(ATM):c.6535A>T (p.Ile2179Phe)

Genes: ATM (ATM serine/threonine kinase; plus strand), C11orf65 (chromosome 11 open reading frame 65; minus strand). Cytogenetic location: 11q22.3.
Variant type: single nucleotide variant.
Coding change: c.6535A>T on transcript NM_000051.4 (MANE Select); coding-DNA position 6535, A replaced by T.
Protein change: p.Ile2179Phe; replaces isoleucine 2179 with phenylalanine.
Molecular consequence: missense variant. On other transcripts: intron variant (2).
Genome position (GRCh38, 1-based): chr11:108,321,383, A>T. VCF-style: chr11-108321383-A-T. GRCh37 (hg19) VCF-style: chr11-108192110-A-T.
Other names: c.6535A>T, p.Ile2179Phe (NM_001351834.2); c.641-12312T>A (NM_001330368.2); c.*39-12312T>A (NM_001351110.2); short protein forms I2179F.
Identifiers: ClinVar variation 4747241 (VCV004747241.1).

ClinVar aggregate classification (germline): Uncertain significance (1 of 4 stars; one submission).

Conditions:
Ataxia-telangiectasia syndrome (AT). Also called: LOUIS-BAR SYNDROME; Cerebello-oculocutaneous telangiectasia; Immunodeficiency with ataxia telangiectasia; Ataxia-telangiectasia, complementation group D; AT, COMPLEMENTATION GROUP C; ATAXIA-TELANGIECTASIA, COMPLEMENTATION GROUP A. Identifiers: Orphanet 100, MedGen C0004135, MONDO:0008840, OMIM 208900.

Submission:

Labcorp Genetics (formerly Invitae), Labcorp
Classification: Uncertain significance for Ataxia-telangiectasia syndrome. Last evaluated: 2025-07-01. Review status: criteria provided, single submitter. Criteria: Invitae Variant Classification Sherloc (09022015). Collection method: clinical testing. Allele origin: germline.
Comment: This sequence change replaces isoleucine, which is neutral and non-polar, with phenylalanine, which is neutral and non-polar, at codon 2179 of the ATM protein (p.Ile2179Phe). This variant is not present in population databases (gnomAD no frequency). This variant has not been reported in the literature in individuals affected with ATM-related conditions. Invitae Evidence Modeling of protein sequence and biophysical properties (such as structural, functional, and spatial information, amino acid conservation, physicochemical variation, residue mobility, and thermodynamic stability) indicates that this missense variant is not expected to disrupt ATM protein function with a negative predictive value of 95%. In summary, the available evidence is currently insufficient to determine the role of this variant in disease. Therefore, it has been classified as a Variant of Uncertain Significance.